The following is an entry in ClinVar:

ClinVar aggregate classification (germline): Conflicting classifications of pathogenicity. Review status: criteria provided, conflicting classifications (1 of 4 stars). 7 submissions from 7 submitters: Uncertain significance (6); Likely benign (1). Last evaluated 2026-01-20.

Conditions:
Renal cell carcinoma. Identifiers: Orphanet 217071, MedGen C0007134, MeSH D002292, MONDO:0005086, HP:0005584.
MET-related disorder. Also called: MET-related condition.
Autosomal recessive nonsyndromic hearing loss 97. Also called: Deafness, autosomal recessive 97. Identifiers: Orphanet 90636, MedGen C4084709, MONDO:0014739, OMIM 616705.
Hereditary cancer-predisposing syndrome. Also called: Neoplastic Syndromes, Hereditary; Tumor predisposition; Hereditary Cancer Syndrome; Hereditary neoplastic syndrome. Identifiers: Orphanet 140162, MedGen C0027672, MeSH D009386, MONDO:0015356.
Papillary renal cell carcinoma type 1 (RCCP1). Also called: Renal adenocarcinoma; Renal cell carcinoma 1; Renal cell carcinoma, somatic; RENAL CELL CARCINOMA, PAPILLARY, 1, SOMATIC. Identifiers: Orphanet 47044, MedGen C1336839, OMIM 605074, HP:0011797.

Allele frequency attached by ClinVar (database versions not stated): gnomAD 0.00001; gnomAD exomes 0.00002 and 0.00004; TOPMed 0.00004; ExAC 0.00005.
gnomAD v4.1: 24 of 1,614,034 alleles (0.0015%); highest among the groups gnomAD compares: Non-Finnish European, 0.002%; no homozygotes.

Submissions (7):

Labcorp Genetics (formerly Invitae), Labcorp
Classification: Uncertain significance for Renal cell carcinoma. Last evaluated: 2026-01-20. Review status: criteria provided, single submitter. Criteria: Invitae Variant Classification Sherloc (09022015). Collection method: clinical testing. Allele origin: germline.
Comment: This sequence change replaces histidine, which is basic and polar, with arginine, which is basic and polar, at codon 484 of the MET protein (p.His484Arg). This variant is present in population databases (rs781545528, gnomAD 0.008%). This variant has not been reported in the literature in individuals affected with MET-related conditions. ClinVar contains an entry for this variant (Variation ID: 216499). Invitae Evidence Modeling of protein sequence and biophysical properties (such as structural, functional, and spatial information, amino acid conservation, physicochemical variation, residue mobility, and thermodynamic stability) indicates that this missense variant is not expected to disrupt MET protein function with a negative predictive value of 80%. In summary, the available evidence is currently insufficient to determine the role of this variant in disease. Therefore, it has been classified as a Variant of Uncertain Significance.

PreventionGenetics, part of Exact Sciences
Classification: Uncertain significance for MET-related condition. Last evaluated: 2025-12-20. Review status: criteria provided, single submitter. Criteria: ACMG Guidelines, 2015. Collection method: clinical testing. Allele origin: germline.
Comment: The MET c.1451A>G variant is predicted to result in the amino acid substitution p.His484Arg. To our knowledge, this variant has not been reported in the literature. This variant is reported in 0.0079% of alleles in individuals of European (Non-Finnish) descent in gnomAD. This variant is interpreted as a variant of uncertain significance by the majority of submitters in ClinVar (Variation ID: 216499). At this time, the clinical significance of this variant is uncertain due to the absence of conclusive functional and genetic evidence.

Center for Genomic Medicine, Rigshospitalet, Copenhagen University Hospital
Classification: Uncertain significance. Last evaluated: 2025-03-04. Review status: criteria provided, single submitter. Criteria: ACMG Guidelines, 2015. Collection method: clinical testing. Allele origin: germline.

Baylor Genetics
Classification: Uncertain significance for Autosomal recessive nonsyndromic hearing loss 97. Last evaluated: 2024-03-20. Review status: criteria provided, single submitter. Criteria: ACMG Guidelines, 2015. Collection method: clinical testing. Allele origin: unknown.

GeneDx
Classification: Uncertain significance. Last evaluated: 2023-11-28. Review status: criteria provided, single submitter. Criteria: GeneDx Variant Classification Process June 2021. Collection method: clinical testing. Allele origin: germline. Affected: yes.
Comment: In silico analysis supports that this missense variant does not alter protein structure/function; Observed in a family that met Amsterdam II criteria and in two sisters with breast cancer (PMID: 30256826, 29868112); This variant is associated with the following publications: (PMID: 30256826, 29868112)

Ambry Genetics
Classification: Likely benign for Hereditary cancer-predisposing syndrome. Last evaluated: 2019-06-20. Review status: criteria provided, single submitter. Criteria: Ambry Variant Classification Scheme 2023. Collection method: clinical testing. Allele origin: germline.

Mendelics
Classification: Uncertain significance for Renal cell carcinoma, papillary, 1. Last evaluated: 2018-07-02. Review status: criteria provided, single submitter. Criteria: Mendelics Assertion Criteria 2017. Collection method: clinical testing. Allele origin: unknown.

NM_000245.4(MET):c.1451A>G (p.His484Arg)

Gene: MET (MET proto-oncogene, receptor tyrosine kinase; plus strand). Cytogenetic location: 7q31.2.
Variant type: single nucleotide variant.
Coding change: c.1451A>G on transcript NM_000245.4 (MANE Select); coding-DNA position 1451, A replaced by G.
Protein change: p.His484Arg; replaces histidine 484 with arginine.
Molecular consequence: missense variant.
Genome position (GRCh38, 1-based): chr7:116,740,008, A>G. VCF-style: chr7-116740008-A-G. GRCh37 (hg19) VCF-style: chr7-116380062-A-G.
Other names: c.1451A>G (NM_001127500.2); c.1451A>G, p.His484Arg (NM_001127500.3, NM_001324401.3); c.161A>G, p.His54Arg (NM_001324402.2); short protein forms H484R, H54R.
Identifiers: ClinVar variation 216499 (VCV000216499.22), dbSNP rs781545528, ClinGen allele CA339400.
Genomic context (GRCh38, chr7:116,740,008, plus strand): 5'-AGGTTGTGGTTTCTCGATCAGGACCATCAACCCCTCATGTGAATTTTCTCCTGGACTCCC[A>G]TCCAGTGTCTCCAGAAGTGATTGTGGAGCATACATTAAACCAAAATGGCTACACACTGGT-3'
Protein context (NP_000236.2, residues 474-494): TPHVNFLLDS[His484Arg]PVSPEVIVEH